The following is an entry in ClinVar:

NC_000004.11:g.(?_174448428)_(175443602_?)del

Genes: CEP44 (centrosomal protein 44; plus strand), FBXO8 (F-box protein 8; minus strand), HAND2 (heart and neural crest derivatives expressed 2; minus strand), HPGD (15-hydroxyprostaglandin dehydrogenase; minus strand). Cytogenetic location: 4q34.1.
Variant type: Deletion.
Identifiers: ClinVar variation 2423427 (VCV002423427.2).

ClinVar aggregate classification (germline): Pathogenic (1 of 4 stars; one submission).

Submission:

Labcorp Genetics (formerly Invitae), Labcorp
Classification: Pathogenic. Last evaluated: 2022-08-10. Review status: criteria provided, single submitter. Criteria: Invitae Variant Classification Sherloc (09022015). Collection method: clinical testing. Allele origin: germline.
Comment: A gross deletion of the genomic region encompassing the full coding sequence of the HPGD gene has been identified. Loss-of-function variants in HPGD are known to be pathogenic (PMID: 18500342, 19568269, 24533558, 24816859). The boundaries of this event are unknown as they extend beyond the assayed region for this gene and therefore may encompass additional genes. This variant has not been reported in the literature in individuals affected with HPGD-related conditions. For these reasons, this variant has been classified as Pathogenic.

Literature cited by the submitters: PubMed 18500342; PubMed 19568269; PubMed 24533558; PubMed 24816859.